The following is an entry in ClinVar:

ClinVar aggregate classification (germline): Conflicting classifications of pathogenicity. Review status: criteria provided, conflicting classifications (1 of 4 stars). 6 submissions from 6 submitters: Uncertain significance (1); Likely benign (5). Last evaluated 2026-01-05.

Conditions:
Inborn genetic diseases. Identifiers: MedGen C0950123, MeSH D030342.
MYH9-related disorder. Identifiers: MedGen C1854520.

Allele frequency attached by ClinVar (database versions not stated): gnomAD 0.00003 and 0.00004; gnomAD exomes 0.00005 and 0.00021; TOPMed 0.00010; ExAC 0.00012.
gnomAD v4.1: 77 of 1,613,888 alleles (0.0048%); highest among the groups gnomAD compares: Admixed American, 0.087%; 1 homozygote.

Submissions (6):

Labcorp Genetics (formerly Invitae), Labcorp
Classification: Likely benign. Last evaluated: 2026-01-05. Review status: criteria provided, single submitter. Criteria: Invitae Variant Classification Sherloc (09022015). Collection method: clinical testing. Allele origin: germline.

Women's Health and Genetics/Laboratory Corporation of America, LabCorp
Classification: Likely benign. Last evaluated: 2025-12-03. Review status: criteria provided, single submitter. Criteria: LabCorp Variant Classification Summary - May 2015. Collection method: clinical testing. Allele origin: germline.
Comment: Variant summary: MYH9 c.1021C>T (p.Arg341Trp) results in a non-conservative amino acid change located in the Myosin head, motor domain-like domain (IPR001609) of the encoded protein sequence. Algorithms developed to predict the effect of missense changes on protein structure and function all suggest that this variant is likely to be disruptive. The variant allele was found at a frequency of 0.00021 in 251330 control chromosomes in the gnomAD database, including 1 homozygote. The occurrence in several carriers suggests that this variant is likely not associated with a high penetrance, severe, early onset disease phenotype in heterozygous state. To our knowledge, no occurrence of c.1021C>T in individuals affected with MYH9-related conditions and no experimental evidence demonstrating its impact on protein function have been reported. ClinVar contains an entry for this variant (Variation ID: 1211820). Based on the evidence outlined above, the variant was classified as likely benign.

PreventionGenetics, part of Exact Sciences
Classification: Likely benign for MYH9-related condition. Last evaluated: 2025-06-03. Review status: criteria provided, single submitter. Criteria: ACMG Guidelines, 2015. Collection method: clinical testing. Allele origin: germline.
Comment: This variant is classified as likely benign based on ACMG/AMP sequence variant interpretation guidelines (Richards et al. 2015 PMID: 25741868, with internal and published modifications).

Blueprint Genetics
Classification: Likely benign. Last evaluated: 2024-03-28. Review status: criteria provided, single submitter. Criteria: ACMG Guidelines, 2015. Collection method: clinical testing. Allele origin: germline.

Ambry Genetics
Classification: Uncertain significance for Inborn genetic diseases. Last evaluated: 2021-11-12. Review status: criteria provided, single submitter. Criteria: Ambry Variant Classification Scheme 2023. Collection method: clinical testing. Allele origin: germline.

GeneDx
Classification: Likely benign. Last evaluated: 2020-12-23. Review status: criteria provided, single submitter. Criteria: GeneDx Variant Classification Process June 2021. Collection method: clinical testing. Allele origin: germline. Affected: yes.
Comment: In silico analysis supports that this missense variant has a deleterious effect on protein structure/function; Has not been previously published as pathogenic or benign to our knowledge

NM_002473.6(MYH9):c.1021C>T (p.Arg341Trp)

Gene: MYH9 (myosin heavy chain 9; minus strand). Cytogenetic location: 22q12.3.
Variant type: single nucleotide variant.
Coding change: c.1021C>T on transcript NM_002473.6 (MANE Select); coding-DNA position 1021, C replaced by T.
Protein change: p.Arg341Trp; replaces arginine 341 with tryptophan.
Molecular consequence: missense variant.
Genome position (GRCh38, 1-based): chr22:36,319,627, G>A on the plus strand (C>T on the coding strand, the complement: MYH9 is on the minus strand). VCF-style: chr22-36319627-G-A. GRCh37 (hg19) VCF-style: chr22-36715672-G-A.
Other names: c.1021C>T (NM_002473.5); short protein forms R341W.
Identifiers: ClinVar variation 1211820 (VCV001211820.13), dbSNP rs759123154, ClinGen allele CA10210399.